The following is an entry in ClinVar:

NM_004076.5(CRYBB3):c.536G>A (p.Arg179His)

Gene: CRYBB3 (crystallin beta B3; plus strand). Cytogenetic location: 22q11.23.
Variant type: single nucleotide variant.
Coding change: c.536G>A on transcript NM_004076.5 (MANE Select); coding-DNA position 536, G replaced by A.
Protein change: p.Arg179His; replaces arginine 179 with histidine.
Molecular consequence: missense variant.
Genome position (GRCh38, 1-based): chr22:25,207,112, G>A. VCF-style: chr22-25207112-G-A. GRCh37 (hg19) VCF-style: chr22-25603079-G-A.
Other names: c.536G>A (NM_004076.3); short protein forms R179H.
Identifiers: ClinVar variation 900832 (VCV000900832.8), dbSNP rs149232677, ClinGen allele CA10157842.

ClinVar aggregate classification (germline): Uncertain significance. Review status: criteria provided, multiple submitters, no conflicts (2 of 4 stars). 3 submissions from 3 submitters: Uncertain significance (3). Last evaluated 2024-10-22.

Conditions:
Cataract 22 multiple types. Also called: CATARACT 22, NUCLEAR, AUTOSOMAL RECESSIVE; Cataract 22; CATARACT 22, MULTIPLE TYPES, AUTOSOMAL DOMINANT. Identifiers: Orphanet 91492, MedGen C1857853, MONDO:0012336, OMIM 609741.
Inborn genetic diseases. Identifiers: MedGen C0950123, MeSH D030342.

Allele frequency attached by ClinVar (database versions not stated): gnomAD exomes 0.00027; ExAC 0.00028; gnomAD 0.00032 and 0.00034; TOPMed 0.00032; ESP Exome Variant Server 0.00038.

Submissions (3):

Labcorp Genetics (formerly Invitae), Labcorp
Classification: Uncertain significance for Cataract 22 multiple types. Last evaluated: 2024-10-22. Review status: criteria provided, single submitter. Criteria: Invitae Variant Classification Sherloc (09022015). Collection method: clinical testing. Allele origin: germline.
Comment: This sequence change replaces arginine, which is basic and polar, with histidine, which is basic and polar, at codon 179 of the CRYBB3 protein (p.Arg179His). This variant is present in population databases (rs149232677, gnomAD 0.09%). This variant has not been reported in the literature in individuals affected with CRYBB3-related conditions. ClinVar contains an entry for this variant (Variation ID: 900832). An algorithm developed to predict the effect of missense changes on protein structure and function (PolyPhen-2) suggests that this variant is likely to be disruptive. In summary, the available evidence is currently insufficient to determine the role of this variant in disease. Therefore, it has been classified as a Variant of Uncertain Significance.

Ambry Genetics
Classification: Uncertain significance for Inborn genetic diseases. Last evaluated: 2024-02-27. Review status: criteria provided, single submitter. Criteria: Ambry Variant Classification Scheme 2023. Collection method: clinical testing. Allele origin: germline.

Illumina Laboratory Services, Illumina
Classification: Uncertain significance for Cataract 22 multiple types. Last evaluated: 2018-01-15. Review status: criteria provided, single submitter. Criteria: ICSL Variant Classification Criteria 13 December 2019. Collection method: clinical testing. Allele origin: germline.